The following is an entry in ClinVar:

ClinVar aggregate classification (germline): Likely benign (0 of 4 stars; one submission).

Conditions:
COASY-related disorder. Also called: COASY-related condition.

Submission:

PreventionGenetics, part of Exact Sciences
Classification: Likely benign for COASY-related condition. Last evaluated: 2019-08-09. Review status: no assertion criteria provided. Collection method: clinical testing. Allele origin: germline.
Comment: This variant is classified as likely benign based on ACMG/AMP sequence variant interpretation guidelines (Richards et al. 2015 PMID: 25741868, with internal and published modifications).

NM_025233.7(COASY):c.1185C>T (p.Ala395=)

Gene: COASY (Coenzyme A synthase; plus strand). Cytogenetic location: 17q21.2.
Variant type: single nucleotide variant.
Coding change: c.1185C>T on transcript NM_025233.7 (MANE Select); coding-DNA position 1185, C replaced by T.
Protein change: p.Ala395=; no amino-acid change (alanine 395 retained).
Molecular consequence: synonymous variant.
Genome position (GRCh38, 1-based): chr17:42,564,846, C>T. VCF-style: chr17-42564846-C-T. GRCh37 (hg19) VCF-style: chr17-40716864-C-T.
Other names: c.1185C>T, p.Ala395= (NM_001042529.3); c.1272C>T, p.Ala424= (NM_001042532.4).
Identifiers: ClinVar variation 3035629 (VCV003035629.2), dbSNP rs1227865861, ClinGen allele CA500220221.